The following is an entry in ClinVar:

NM_004369.4(COL6A3):c.6853G>A (p.Gly2285Arg)

Gene: COL6A3 (collagen type VI alpha 3 chain; minus strand). Cytogenetic location: 2q37.3.
Variant type: single nucleotide variant.
Coding change: c.6853G>A on transcript NM_004369.4 (MANE Select); coding-DNA position 6853, G replaced by A.
Protein change: p.Gly2285Arg; replaces glycine 2285 with arginine.
Molecular consequence: missense variant.
Genome position (GRCh38, 1-based): chr2:237,350,173, C>T on the plus strand (G>A on the coding strand, the complement: COL6A3 is on the minus strand). VCF-style: chr2-237350173-C-T. GRCh37 (hg19) VCF-style: chr2-238258816-C-T.
Other names: c.5032G>A, p.Gly1678Arg (NM_057166.5); c.6235G>A, p.Gly2079Arg (NM_057167.4); short protein forms G2285R, G2079R, G1678R.
Identifiers: ClinVar variation 476549 (VCV000476549.10), dbSNP rs1268762655, ClinGen allele CA351209193.
Genomic context (GRCh38, chr2:237,350,173, plus strand): 5'-CGACAGCCTGACCCCAAGCGCGCTGTGACCTTACCGTCTCCCCACGAGGGCCCCGGTTCC[C>T]GATTCCTCCTTTTGGTCCTGGCTCTCCGGGCTCACCCTAGACATGAGAAACATGGCTGAG-3'
Protein context (NP_004360.2, residues 2275-2295): PGEPGPKGGI[Gly2285Arg]NRGPRGETGD

ClinVar aggregate classification (germline): Likely pathogenic (1 of 4 stars; one submission).

Conditions:
Bethlem myopathy 1A. Also called: Bethlem Muscular Dystrophy; MYOPATHY, BENIGN CONGENITAL, WITH CONTRACTURES; Bethlem myopathy 1. Identifiers: Orphanet 610, MedGen CN029274, MONDO:0024530, OMIM 158810.

Allele frequency attached by ClinVar (database versions not stated): gnomAD exomes 0.00001; gnomAD 0.00001.
gnomAD v4.1: 10 of 1,614,016 alleles (0.00062%); highest among the groups gnomAD compares: Admixed American, 0.0017%; no homozygotes.

Submission:

Labcorp Genetics (formerly Invitae), Labcorp
Classification: Likely pathogenic for Bethlem myopathy 1A. Last evaluated: 2024-01-28. Review status: criteria provided, single submitter. Criteria: Invitae Variant Classification Sherloc (09022015). Collection method: clinical testing. Allele origin: germline.
Comment: This sequence change replaces glycine, which is neutral and non-polar, with arginine, which is basic and polar, at codon 2285 of the COL6A3 protein (p.Gly2285Arg). This variant is not present in population databases (gnomAD no frequency). This variant has not been reported in the literature in individuals affected with COL6A3-related conditions. ClinVar contains an entry for this variant (Variation ID: 476549). Advanced modeling of protein sequence and biophysical properties (such as structural, functional, and spatial information, amino acid conservation, physicochemical variation, residue mobility, and thermodynamic stability) performed at Invitae indicates that this missense variant is expected to disrupt COL6A3 protein function with a positive predictive value of 80%. This variant disrupts the triple helix domain of COL6A3. Glycine residues within the Gly-Xaa-Yaa repeats of the triple helix domain are required for the structure and stability of fibrillar collagens (PMID: 7695699, 8218237, 19344236). In COL6A3, missense variants at these glycine residues are significantly enriched in individuals with autosomal dominant disease (PMID: 15689448, 24038877) compared to the general population (ExAC). In summary, the currently available evidence indicates that the variant is pathogenic, but additional data are needed to prove that conclusively. Therefore, this variant has been classified as Likely Pathogenic.

Literature cited by the submitters: PubMed 7695699; PubMed 8218237; PubMed 19344236; PubMed 15689448; PubMed 24038877.